The following is an entry in ClinVar:

NM_000400.4(ERCC2):c.2235_2240dup (p.Glu747_Glu748insSerGlu)

Gene: ERCC2 (ERCC excision repair 2, TFIIH core complex helicase subunit; minus strand). Cytogenetic location: 19q13.32.
Variant type: Duplication.
Coding change: c.2235_2240dup on transcript NM_000400.4 (MANE Select); coding-DNA positions 2235 to 2240, 6 bases duplicated (ATCAGA; older notation c.2235_2240dupATCAGA).
Protein change: p.Glu747_Glu748insSerGlu.
Molecular consequence: inframe insertion. On other transcripts: non-coding transcript variant (3).
Genome position (GRCh38, 1-based): chr19:45,351,672-45,351,677, TCTGAT duplicated on the plus strand (ATCAGA on the coding strand, the reverse complement: ERCC2 is on the minus strand); duplicating any 6 consecutive bases within chr19:45,351,672-45,351,680 gives the same sequence; the c. name uses the placement nearest the transcript's 3' end. VCF-style (leftmost placement, unchanged base first): chr19-45351671-C-CTCTGAT. GRCh37 (hg19) VCF-style: chr19-45854929-C-CTCTGAT.
Other names: c.2163_2168dup, p.Glu723_Glu724insSerGlu (NM_001440355.1); c.2157_2162dup, p.Glu721_Glu722insSerGlu (NM_001440356.1); c.2112_2117dup, p.Glu706_Glu707insSerGlu (NM_001440357.1).
Identifiers: ClinVar variation 5004045 (VCV005004045.1).

ClinVar aggregate classification (germline): Uncertain significance (1 of 4 stars; one submission).

Conditions:
ERCC2-related disorder. Also called: ERCC2-related disorders; ERCC2-related conditions; ERCC2-related condition. Identifiers: MedGen CN239291.

Submission:

Myriad Genetics, Inc.
Classification: Uncertain significance for ERCC2-related disorder. Last evaluated: 2026-03-19. Review status: criteria provided, single submitter. Criteria: Myriad Autosomal Dominant, Autosomal Recessive and X-Linked Classification Criteria (2023). Collection method: clinical testing. Allele origin: unknown.
Comment: NM_000400.3(ERCC2):c.2235_2240dup6(S746_E747dup) is an in-frame insertion classified as a variant of uncertain significance in the context of ERCC2-related disorders. S746_E747dup has not been observed in cases with relevant disease. Relevant functional assessments of this variant are not available in the literature. S746_E747dup has not been observed in referenced population frequency databases. In summary, there is insufficient evidence to classify NM_000400.3(ERCC2):c.2235_2240dup6(S746_E747dup) as pathogenic or benign. Please note: this variant was assessed in the context of healthy population screening.